The following is an entry in ClinVar:

NM_000455.5(STK11):c.291-18_291-17del

Gene: STK11 (serine/threonine kinase 11; plus strand). Cytogenetic location: 19p13.3.
Variant type: Deletion.
Coding change: c.291-18_291-17del on transcript NM_000455.5 (MANE Select); 18 bases into the intron before coding-DNA position 291 through 17 bases into the intron before coding-DNA position 291, 2 bases deleted (CT; older notation c.291-18_291-17delCT).
Molecular consequence: intron variant.
Genome position (GRCh38, 1-based): chr19:1,218,399-1,218,400, CT deleted. VCF-style (leftmost placement, unchanged base first): chr19-1218398-CCT-C. GRCh37 (hg19) VCF-style: chr19-1218397-CCT-C.
Identifiers: ClinVar variation 127702 (VCV000127702.14), dbSNP rs727503759, ClinGen allele CA022787.

ClinVar aggregate classification (germline): Conflicting classifications of pathogenicity. Review status: criteria provided, conflicting classifications (1 of 4 stars). 4 submissions from 4 submitters: Uncertain significance (1); Likely benign (3). Last evaluated 2025-12-05.

Conditions:
Hereditary cancer-predisposing syndrome. Also called: Tumor predisposition; Hereditary Cancer Syndrome; Neoplastic Syndromes, Hereditary; Hereditary neoplastic syndrome. Identifiers: Orphanet 140162, MedGen C0027672, MeSH D009386, MONDO:0015356.
Peutz-Jeghers syndrome (PJS). Also called: POLYPOSIS, HAMARTOMATOUS INTESTINAL; POLYPS-AND-SPOTS SYNDROME; Peutz-Jeghers polyposis; Periorificial lentiginosis syndrome. Identifiers: Orphanet 2869, MedGen C0031269, MeSH D010580, MONDO:0008280, OMIM 175200.

Allele frequency attached by ClinVar (database versions not stated): ExAC 0.00001; TOPMed 0.00001; gnomAD exomes 0.00002 and 0.00004; gnomAD 0.00003; ESP Exome Variant Server 0.00008.

Submissions (4):

Labcorp Genetics (formerly Invitae), Labcorp
Classification: Likely benign for Peutz-Jeghers syndrome. Last evaluated: 2025-12-05. Review status: criteria provided, single submitter. Criteria: Invitae Variant Classification Sherloc (09022015). Collection method: clinical testing. Allele origin: germline.

Genome-Nilou Lab
Classification: Likely benign for Peutz-Jeghers syndrome. Last evaluated: 2021-07-15. Review status: criteria provided, single submitter. Criteria: ACMG Guidelines, 2015. Collection method: clinical testing. Allele origin: germline. Affected: no.

GeneDx
Classification: Uncertain significance. Last evaluated: 2018-02-02. Review status: criteria provided, single submitter. Criteria: GeneDx Variant Classification (06012015). Collection method: clinical testing. Allele origin: germline. Affected: yes.
Comment: This variant is denoted STK11 c.291-18_291-17delCT or IVS1-18_IVS1-17delCT and consists of a deletion of two nucleotides at the -17 to -18 position of intron 1 of the STK11 gene. The normal sequence, with the bases that are deleted in brackets, is accc[delct]gtcc. This intronic deletion has not, to our knowledge, been published in the literature as pathogenic or benign. Multiple in silico models predict this variant to weaken the nearby natural splice acceptor site, and to possibly cause abnormal gene splicing. However, in the absence of RNA or functional studies, the actual effect of this variant is unknown. STK11 c.291-18_291-17delCT was not observed at a significant allele frequency in large population cohorts (NHLBI Exome Sequencing Project, The 1000 Genomes Consortium 2015, Lek 2016). The nucleotides that are deleted are not conserved. Based on currently available information, we consider STK11 c.291-18_291-17delCT to be a variant of uncertain significance.

Color Diagnostics, LLC DBA Color Health
Classification: Likely benign for Hereditary cancer-predisposing syndrome. Last evaluated: 2017-09-08. Review status: criteria provided, single submitter. Criteria: ACMG Guidelines, 2015. Collection method: clinical testing. Allele origin: germline.